The following is an entry in ClinVar:

NM_000135.4(FANCA):c.2426G>A (p.Gly809Asp)

Gene: FANCA (FA complementation group A; minus strand). Cytogenetic location: 16q24.3.
Variant type: single nucleotide variant.
Coding change: c.2426G>A on transcript NM_000135.4 (MANE Select); coding-DNA position 2426, G replaced by A.
Protein change: p.Gly809Asp; replaces glycine 809 with aspartic acid.
Molecular consequence: missense variant.
Genome position (GRCh38, 1-based): chr16:89,769,915, C>T on the plus strand (G>A on the coding strand, the complement: FANCA is on the minus strand). VCF-style: chr16-89769915-C-T. GRCh37 (hg19) VCF-style: chr16-89836323-C-T.
Other names: c.2426G>A, p.Gly809Asp (NM_001286167.3); c.2426G>A (LRG_495t1, NM_000135.3); short protein forms G809D.
Identifiers: ClinVar variation 134254 (VCV000134254.40), dbSNP rs7195066, ClinGen allele CA159275.

ClinVar aggregate classification (germline): Benign/Likely benign. Review status: criteria provided, multiple submitters, no conflicts (2 of 4 stars). 16 submissions from 16 submitters: Benign (11); Likely benign (2). 3 of the submissions do not count toward it. Last evaluated 2026-02-04.

Conditions:
Inborn genetic diseases. Identifiers: MedGen C0950123, MeSH D030342.
Fanconi anemia (FA). Also called: Fanconi's anemia. Identifiers: Orphanet 84, MedGen C0015625, MeSH D005199, MONDO:0019391.
Fanconi anemia complementation group A (FANCA). Also called: Fanconi anemia, group A; FANCA-Related Fanconi Anemia. Identifiers: Orphanet 84, MedGen C3469521, MONDO:0009215, OMIM 227650.

Allele frequency attached by ClinVar (database versions not stated): gnomAD exomes 0.37116 and 0.47265; ESP Exome Variant Server 0.43067; gnomAD 0.46389 and 0.47429; ExAC 0.46899; TOPMed 0.48837; 1000 Genomes Project 30x 0.66287; 1000 Genomes Project 0.66673.
gnomAD v4.1: 616,158 of 1,613,742 alleles (38%); highest among the groups gnomAD compares: East Asian, 98%; 136,475 homozygotes.

Submissions (16):

Labcorp Genetics (formerly Invitae), Labcorp
Classification: Benign for Fanconi anemia. Last evaluated: 2026-02-04. Review status: criteria provided, single submitter. Criteria: Invitae Variant Classification Sherloc (09022015). Collection method: clinical testing. Allele origin: germline.

Mayo Clinic Laboratories, Mayo Clinic
Classification: Benign. Last evaluated: 2025-07-29. Review status: criteria provided, single submitter. Criteria: ACMG Guidelines, 2015. Collection method: clinical testing. Allele origin: germline. Observed: 990 variant alleles.
Comment: BA1

ARUP Laboratories, Molecular Genetics and Genomics, ARUP Laboratories
Classification: Benign for Fanconi anemia complementation group A. Last evaluated: 2025-07-28. Review status: criteria provided, single submitter. Criteria: ARUP Molecular Germline Variant Investigation Process 2024. Collection method: clinical testing. Allele origin: germline.

GeneKor MSA
Classification: Benign for Fanconi anemia complementation group A. Last evaluated: 2025-07-10. Review status: criteria provided, single submitter. Criteria: ACMG Guidelines, 2015. Collection method: clinical testing. Allele origin: germline.

Blueprint Genetics
Classification: Benign. Last evaluated: 2024-11-27. Review status: criteria provided, single submitter. Criteria: ACMG Guidelines, 2015. Collection method: clinical testing. Allele origin: germline.

KCCC/NGS Laboratory, Kuwait Cancer Control Center
Classification: Benign for Fanconi anemia complementation group A. Last evaluated: 2023-07-07. Review status: criteria provided, single submitter. Criteria: ACMG Guidelines, 2015. Collection method: clinical testing. Allele origin: germline. Affected: yes.

Women's Health and Genetics/Laboratory Corporation of America, LabCorp
Classification: Likely benign. Last evaluated: 2021-12-03. Review status: criteria provided, single submitter. Criteria: LabCorp Variant Classification Summary - May 2015. Collection method: clinical testing. Allele origin: germline.

Genome-Nilou Lab
Classification: Benign for Fanconi anemia complementation group A. Last evaluated: 2021-07-08. Review status: criteria provided, single submitter. Criteria: ACMG Guidelines, 2015. Collection method: clinical testing. Allele origin: germline. Affected: no.

Ambry Genetics
Classification: Benign for Inborn genetic diseases. Last evaluated: 2019-10-22. Review status: criteria provided, single submitter. Criteria: Ambry Variant Classification Scheme 2023. Collection method: clinical testing. Allele origin: germline.

GeneDx
Classification: Benign. Last evaluated: 2019-03-01. Review status: criteria provided, single submitter. Criteria: GeneDx Variant Classification Process June 2021. Collection method: clinical testing. Allele origin: germline. Affected: yes.
Comment: This variant is associated with the following publications: (PMID: 23898106, 24728327, 27153395)

Illumina Laboratory Services, Illumina
Classification: Benign for Fanconi anemia complementation group A. Last evaluated: 2018-01-13. Review status: criteria provided, single submitter. Criteria: ICSL Variant Classification Criteria 13 December 2019. Collection method: clinical testing. Allele origin: germline.
Comment: This variant was observed in the ICSL laboratory as part of a predisposition screen in an ostensibly healthy population. It had not been previously curated by ICSL or reported in the Human Gene Mutation Database (HGMD: prior to June 1st, 2018), and was therefore a candidate for classification through an automated scoring system. Utilizing variant allele frequency, disease prevalence and penetrance estimates, and inheritance mode, an automated score was calculated to assess if this variant is too frequent to cause the disease. Based on the score and internal cut-off values, a variant classified as benign is not then subjected to further curation. The score for this variant resulted in a classification of benign for this disease.

Breakthrough Genomics
Classification: Likely benign. Review status: criteria provided, single submitter. Criteria: ACMG Guidelines, 2015. Collection method: not provided. Allele origin: germline. Inheritance: Autosomal recessive inheritance. Affected: yes.

PreventionGenetics, part of Exact Sciences
Classification: Benign. Review status: criteria provided, single submitter. Criteria: ACMG Guidelines, 2015. Collection method: clinical testing. Allele origin: germline.

Natera, Inc.
Classification: Benign for Fanconi anemia, group A. Last evaluated: 2020-09-16. Review status: no assertion criteria provided. Collection method: clinical testing. Allele origin: germline. Not counted in ClinVar's aggregate classification.

Leiden Open Variation Database
Classification: Uncertain significance for Fanconi anemia complementation group A. Last evaluated: 2020-02-28. Review status: no assertion criteria provided. Collection method: curation. Allele origin: somatic. Affected: yes. Not counted in ClinVar's aggregate classification.
Comment: Curator: Arleen D. Auerbach. Submitter to LOVD: Nikoletta Selenti.

ITMI
No classification provided. Condition: AllHighlyPenetrant. Last evaluated: 2013-09-19. Review status: no classification provided. Collection method: reference population. Allele origin: germline. Not counted in ClinVar's aggregate classification.
Comment: Please see associated publication for description of ethnicities

Literature cited by the submitters: PubMed 24728327 (cited by ITMI).